The following is an entry in ClinVar:

NM_014991.6(WDFY3):c.6589A>G (p.Ile2197Val)

Gene: WDFY3 (WD repeat and FYVE domain containing 3; minus strand). Cytogenetic location: 4q21.23.
Variant type: single nucleotide variant.
Coding change: c.6589A>G on transcript NM_014991.6 (MANE Select); coding-DNA position 6589, A replaced by G.
Protein change: p.Ile2197Val; replaces isoleucine 2197 with valine.
Molecular consequence: missense variant.
Genome position (GRCh38, 1-based): chr4:84,737,352, T>C on the plus strand (A>G on the coding strand, the complement: WDFY3 is on the minus strand). VCF-style: chr4-84737352-T-C. GRCh37 (hg19) VCF-style: chr4-85658505-T-C.
Other names: short protein forms I2197V.
Identifiers: ClinVar variation 4872436 (VCV004872436.3).

ClinVar aggregate classification (germline): Likely benign. Review status: criteria provided, multiple submitters, no conflicts (2 of 4 stars). 2 submissions from 2 submitters: Likely benign (2). Last evaluated 2026-04-01.

gnomAD v4.1: 28 of 1,575,466 alleles (0.0018%); highest among the groups gnomAD compares: Middle Eastern, 0.052%; no homozygotes.

Submissions (2):

CeGaT Center for Human Genetics Tuebingen
Classification: Likely benign. Last evaluated: 2026-04-01. Review status: criteria provided, single submitter. Criteria: CeGaT Center For Human Genetics Tuebingen Variant Classification Criteria Version 2. Collection method: clinical testing. Allele origin: germline. Affected: yes. Observed: 1 variant allele.
Comment: WDFY3: BP4

Blueprint Genetics
Classification: Likely benign. Last evaluated: 2024-11-18. Review status: criteria provided, single submitter. Criteria: ACMG Guidelines, 2015. Collection method: clinical testing. Allele origin: germline.